The following is an entry in ClinVar:

ClinVar aggregate classification (germline): Uncertain significance (1 of 4 stars; one submission).

Allele frequency attached by ClinVar (database versions not stated): gnomAD exomes below 0.00001; TOPMed 0.00002; gnomAD 0.00003.
gnomAD v4.1: 7 of 1,607,532 alleles (0.00044%); highest among the groups gnomAD compares: African/African-American, 0.0094%; no homozygotes.

Submission:

Labcorp Genetics (formerly Invitae), Labcorp
Classification: Uncertain significance. Last evaluated: 2024-07-11. Review status: criteria provided, single submitter. Criteria: Invitae Variant Classification Sherloc (09022015). Collection method: clinical testing. Allele origin: germline.
Comment: This sequence change falls in intron 13 of the SETD5 gene. It does not directly change the encoded amino acid sequence of the SETD5 protein. It affects a nucleotide within the consensus splice site. This variant is present in population databases (no rsID available, gnomAD 0.02%). This variant has not been reported in the literature in individuals affected with SETD5-related conditions. ClinVar contains an entry for this variant (Variation ID: 1911165). Variants that disrupt the consensus splice site are a relatively common cause of aberrant splicing (PMID: 17576681, 9536098). Algorithms developed to predict the effect of sequence changes on RNA splicing suggest that this variant is not likely to affect RNA splicing. In summary, the available evidence is currently insufficient to determine the role of this variant in disease. Therefore, it has been classified as a Variant of Uncertain Significance.

Literature cited by the submitters: PubMed 17576681; PubMed 9536098.

NM_001080517.3(SETD5):c.1525-3T>C

Gene: SETD5 (SET domain containing 5; plus strand). Cytogenetic location: 3p25.3.
Variant type: single nucleotide variant.
Coding change: c.1525-3T>C on transcript NM_001080517.3 (MANE Select); 3 bases into the intron before coding-DNA position 1525, T replaced by C.
Molecular consequence: intron variant.
Genome position (GRCh38, 1-based): chr3:9,447,047, T>C. VCF-style: chr3-9447047-T-C. GRCh37 (hg19) VCF-style: chr3-9488731-T-C.
Other names: c.1231-3T>C (NM_001349451.2, NM_001292043.2).
Identifiers: ClinVar variation 1911165 (VCV001911165.5), dbSNP rs978669841, ClinGen allele CA69962731.
Genomic context (GRCh38, chr3:9,447,047, plus strand): 5'-ATAAAAGCTATCCACTCGTCCTCATTTGAAGCTTCCTTCTACACCAGTACTATCTCTTTC[T>C]AGACCAGGGAAGATAGAAAGGTAGAAGCCATCATGCATGCTTTTGAAAACTTAGAGAAAA-3'